The following is an entry in ClinVar:

NM_020822.3(KCNT1):c.1201-6C>T

Gene: KCNT1 (potassium sodium-activated channel subfamily T member 1; plus strand). Cytogenetic location: 9q34.3.
Variant type: single nucleotide variant.
Coding change: c.1201-6C>T on transcript NM_020822.3 (MANE Select); 6 bases into the intron before coding-DNA position 1201, C replaced by T.
Molecular consequence: intron variant.
Genome position (GRCh38, 1-based): chr9:135,765,618, C>T. VCF-style: chr9-135765618-C-T. GRCh37 (hg19) VCF-style: chr9-138657464-C-T.
Other names: c.1066-6C>T (NM_001272003.2).
Identifiers: ClinVar variation 696741 (VCV000696741.32), dbSNP rs543464639, ClinGen allele CA5326824.
Genomic context (GRCh38, chr9:135,765,618, plus strand): 5'-AAGGCAGGGCCGCCCGGGCGGGGCAGGGGCTGGCTCAGAGGGTCTGACCCTCCGCCTGGC[C>T]GGCAGGACTATTACGTGGTCATCCTGTGCCCCACGGAGATGGATGTCCAGGTGCGCAGAG-3'

ClinVar aggregate classification (germline): Benign/Likely benign. Review status: criteria provided, multiple submitters, no conflicts (2 of 4 stars). 2 submissions from 2 submitters: Benign (1); Likely benign (1). Last evaluated 2026-03-01.

Conditions:
Developmental and epileptic encephalopathy, 14 (DEE14). Also called: Early infantile epileptic encephalopathy 14. Identifiers: Orphanet 293181, MedGen C3554195, MONDO:0013989, OMIM 614959.
Autosomal dominant nocturnal frontal lobe epilepsy 5. Also called: CILIARY DYSKINESIA, PRIMARY, 28, WITHOUT SITUS INVERSUS; CILIARY DYSKINESIA, PRIMARY, 28, WITH SITUS INVERSUS; Epilepsy, nocturnal frontal lobe, 5; KCNT1-Related Epilepsy. Identifiers: Orphanet 98784, MedGen C3554306, MONDO:0014002, OMIM 615005.

Allele frequency attached by ClinVar (database versions not stated): gnomAD 0.00006 and 0.00009; TOPMed 0.00006; gnomAD exomes 0.00023; ExAC 0.00030; 1000 Genomes Project 30x 0.00031; 1000 Genomes Project 0.00040.
gnomAD v4.1: 339 of 1,604,008 alleles (0.021%); highest among the groups gnomAD compares: East Asian, 0.5%; 1 homozygote.

Submissions (2):

CeGaT Center for Human Genetics Tuebingen
Classification: Likely benign. Last evaluated: 2026-03-01. Review status: criteria provided, single submitter. Criteria: CeGaT Center For Human Genetics Tuebingen Variant Classification Criteria Version 2. Collection method: clinical testing. Allele origin: germline. Affected: yes. Observed: 2 variant alleles.
Comment: KCNT1: BP4, BS1

Labcorp Genetics (formerly Invitae), Labcorp
Classification: Benign for Autosomal dominant nocturnal frontal lobe epilepsy 5; Developmental and epileptic encephalopathy, 14. Last evaluated: 2025-08-30. Review status: criteria provided, single submitter. Criteria: Invitae Variant Classification Sherloc (09022015). Collection method: clinical testing. Allele origin: germline.